The following is an entry in ClinVar:

ClinVar aggregate classification (germline): Likely benign (1 of 4 stars; one submission).

Conditions:
CREBBP-related disorder. Also called: CREBBP-related disorders; CREBBP-related condition.

gnomAD v4.1: 6 of 1,605,478 alleles (0.00037%); highest among the groups gnomAD compares: Admixed American, 0.0017%; no homozygotes.

Submission:

PreventionGenetics, part of Exact Sciences
Classification: Likely benign for CREBBP-related condition. Last evaluated: 2024-11-20. Review status: criteria provided, single submitter. Criteria: ACMG Guidelines, 2015. Collection method: clinical testing. Allele origin: germline.
Comment: This variant is classified as likely benign based on ACMG/AMP sequence variant interpretation guidelines (Richards et al. 2015 PMID: 25741868, with internal and published modifications).

NM_004380.3(CREBBP):c.5253C>T (p.Asp1751=)

Gene: CREBBP (CREB binding lysine acetyltransferase; minus strand). Cytogenetic location: 16p13.3.
Variant type: single nucleotide variant.
Coding change: c.5253C>T on transcript NM_004380.3 (MANE Select); coding-DNA position 5253, C replaced by T.
Protein change: p.Asp1751=; no amino-acid change (aspartic acid 1751 retained).
Molecular consequence: synonymous variant.
Genome position (GRCh38, 1-based): chr16:3,729,794, G>A on the plus strand (C>T on the coding strand, the complement: CREBBP is on the minus strand). VCF-style: chr16-3729794-G-A. GRCh37 (hg19) VCF-style: chr16-3779795-G-A.
Other names: c.5139C>T, p.Asp1713= (NM_001079846.1).
Identifiers: ClinVar variation 4987624 (VCV004987624.1).